The following is an entry in ClinVar:

ClinVar aggregate classification (germline): Uncertain significance (1 of 4 stars; one submission).

gnomAD v4.1: 17 of 1,609,210 alleles (0.0011%); highest among the groups gnomAD compares: African/African-American, 0.0027%; no homozygotes.

Submission:

Labcorp Genetics (formerly Invitae), Labcorp
Classification: Uncertain significance. Last evaluated: 2023-09-06. Review status: criteria provided, single submitter. Criteria: Invitae Variant Classification Sherloc (09022015). Collection method: clinical testing. Allele origin: germline.
Comment: An algorithm developed to predict the effect of missense changes on protein structure and function (PolyPhen-2) suggests that this variant is likely to be disruptive. This missense change has been observed in individual(s) with SH2B1-related conditions (PMID: 26031769). The frequency data for this variant in the population databases is considered unreliable, as metrics indicate poor data quality at this position in the gnomAD database. This sequence change replaces arginine, which is basic and polar, with serine, which is neutral and polar, at codon 43 of the SH2B1 protein (p.Arg43Ser). In summary, the available evidence is currently insufficient to determine the role of this variant in disease. Therefore, it has been classified as a Variant of Uncertain Significance.

Literature cited by the submitters: PubMed 26031769.

NM_001387430.1(SH2B1):c.127C>A (p.Arg43Ser)

Gene: SH2B1 (SH2B adaptor protein 1; plus strand). Cytogenetic location: 16p11.2.
Variant type: single nucleotide variant.
Coding change: c.127C>A on transcript NM_001387430.1 (MANE Select); coding-DNA position 127, C replaced by A.
Protein change: p.Arg43Ser; replaces arginine 43 with serine.
Molecular consequence: missense variant. On other transcripts: intron variant (1).
Genome position (GRCh38, 1-based): chr16:28,866,221, C>A. VCF-style: chr16-28866221-C-A. GRCh37 (hg19) VCF-style: chr16-28877542-C-A.
Other names: c.127C>A, p.Arg43Ser (NM_001145795.2, NM_001145796.2, NM_001145797.2 and 4 more transcripts); c.-26-1153C>A (NM_001308294.2); short protein forms R43S.
Identifiers: ClinVar variation 2982919 (VCV002982919.3), dbSNP rs547678855, ClinGen allele CA279250311.
Genomic context (GRCh38, chr16:28,866,221, plus strand): 5'-CCCCCTAGTTGGCGGGAGTTCTGTGAGTCCCACGCCCGGGCTGCGGCTCTGGACTTTGCC[C>A]GCCGTTTTCGCCTCTACCTGGCCTCCCACCCCCAATATGCGGGGCCCGGGGCCGAGGCTG-3'
Protein context (NP_001374359.1, residues 33-53): HARAAALDFA[Arg43Ser]RFRLYLASHP